The following is an entry in ClinVar:

NM_013335.4(GMPPA):c.138+8C>T

Genes: ASIC4-AS1 (ASIC4 antisense RNA 1; minus strand), GMPPA (GDP-mannose pyrophosphorylase A; plus strand). Cytogenetic location: 2q35.
Variant type: single nucleotide variant.
Coding change: c.138+8C>T on transcript NM_013335.4 (MANE Select); 8 bases into the intron after coding-DNA position 138, C replaced by T.
Molecular consequence: intron variant.
Genome position (GRCh38, 1-based): chr2:219,500,226, C>T. VCF-style: chr2-219500226-C-T. GRCh37 (hg19) VCF-style: chr2-220364948-C-T.
Other names: c.138+8C>T (NM_205847.3).
Identifiers: ClinVar variation 392491 (VCV000392491.1), dbSNP rs757048135, ClinGen allele CA2128041.

ClinVar aggregate classification (germline): Likely benign (1 of 4 stars; one submission).

Allele frequency attached by ClinVar (database versions not stated): ExAC below 0.00001; TOPMed 0.00001; gnomAD exomes 0.00002.
gnomAD v4.1: 22 of 1,468,596 alleles (0.0015%); highest among the groups gnomAD compares: Non-Finnish European, 0.0021%; no homozygotes.

Submission:

GeneDx
Classification: Likely benign. Last evaluated: 2017-01-11. Review status: criteria provided, single submitter. Criteria: GeneDx Variant Classification (06012015). Collection method: clinical testing. Allele origin: germline. Affected: yes.
Comment: This variant is considered likely benign or benign based on one or more of the following criteria: it is a conservative change, it occurs at a poorly conserved position in the protein, it is predicted to be benign by multiple in silico algorithms, and/or has population frequency not consistent with disease.